The following is an entry in ClinVar:

NM_000051.4(ATM):c.7735A>G (p.Arg2579Gly)

Genes: ATM (ATM serine/threonine kinase; plus strand), C11orf65 (chromosome 11 open reading frame 65; minus strand). Cytogenetic location: 11q22.3.
Variant type: single nucleotide variant.
Coding change: c.7735A>G on transcript NM_000051.4 (MANE Select); coding-DNA position 7735, A replaced by G.
Protein change: p.Arg2579Gly; replaces arginine 2579 with glycine.
Molecular consequence: missense variant. On other transcripts: intron variant (2).
Genome position (GRCh38, 1-based): chr11:108,331,984, A>G. VCF-style: chr11-108331984-A-G. GRCh37 (hg19) VCF-style: chr11-108202711-A-G.
Other names: c.7735A>G, p.Arg2579Gly (NM_001351834.2); c.641-22913T>C (NM_001330368.2); c.*38+3236T>C (NM_001351110.2); short protein forms R2579G.
Identifiers: ClinVar variation 2679677 (VCV002679677.2), dbSNP rs2136524882, ClinGen allele CA382561112.
Genomic context (GRCh38, chr11:108,331,984, plus strand): 5'-ATTATACTGGCCTTAGCAAATGCAAACAGAGATGAATTTCTGACTAAACCAGAGGTAGCC[A>G]GAAGAAGCAGAATAACTAAAAATGTGCCTAAACAAAGCTCTCAGCTTGATGAGGTATTTG-3'
Protein context (NP_000042.3, residues 2569-2589): DEFLTKPEVA[Arg2579Gly]RSRITKNVPK

ClinVar aggregate classification (germline): Uncertain significance. Review status: criteria provided, multiple submitters, no conflicts (2 of 4 stars). 2 submissions from 2 submitters: Uncertain significance (2). Last evaluated 2024-04-29.

Conditions:
Familial cancer of breast. Also called: BREAST CANCER, FAMILIAL; Hereditary breast cancer; hereditary breast carcinoma. Identifiers: Orphanet 227535, MedGen C0346153, MONDO:0016419, OMIM 114480. Disease mechanism: loss of function.

Submissions (2):

GeneDx
Classification: Uncertain significance. Last evaluated: 2024-04-29. Review status: criteria provided, single submitter. Criteria: GeneDx Variant Classification Process June 2021. Collection method: clinical testing. Allele origin: germline. Affected: yes.
Comment: Not observed at significant frequency in large population cohorts (gnomAD); In silico analysis indicates that this missense variant does not alter protein structure/function; Has not been previously published as pathogenic or benign to our knowledge

Baylor Genetics
Classification: Uncertain significance for Familial cancer of breast. Last evaluated: 2023-09-05. Review status: criteria provided, single submitter. Criteria: ACMG Guidelines, 2015. Collection method: clinical testing. Allele origin: unknown.